The following is an entry in ClinVar:

ClinVar aggregate classification (germline): Uncertain significance (1 of 4 stars; one submission).

Submission:

GeneDx
Classification: Uncertain significance. Last evaluated: 2022-03-12. Review status: criteria provided, single submitter. Criteria: GeneDx Variant Classification Process June 2021. Collection method: clinical testing. Allele origin: germline. Affected: yes.
Comment: Not observed at significant frequency in large population cohorts (gnomAD); In silico analysis supports that this missense variant does not alter protein structure/function; Has not been previously published as pathogenic or benign to our knowledge

NM_006180.6(NTRK2):c.2435T>G (p.Met812Arg)

Gene: NTRK2 (neurotrophic receptor tyrosine kinase 2; plus strand). Cytogenetic location: 9q21.33.
Variant type: single nucleotide variant.
Coding change: c.2435T>G on transcript NM_006180.6 (MANE Select); coding-DNA position 2435, T replaced by G.
Protein change: p.Met812Arg; replaces methionine 812 with arginine.
Molecular consequence: missense variant.
Genome position (GRCh38, 1-based): chr9:85,021,355, T>G. VCF-style: chr9-85021355-T-G. GRCh37 (hg19) VCF-style: chr9-87636270-T-G.
Other names: c.2387T>G, p.Met796Arg (NM_001018064.3, NM_001369532.1, NM_001369533.1); c.2351T>G, p.Met784Arg (NM_001369534.1); c.1919T>G, p.Met640Arg (NM_001369535.1); c.1967T>G, p.Met656Arg (NM_001369536.1); c.2435T>G, p.Met812Arg (NM_001381928.1); short protein forms M640R, M656R, M784R, M796R, M812R.
Identifiers: ClinVar variation 1706292 (VCV001706292.2), dbSNP rs758154340, ClinGen allele CA195831020.